The following is an entry in ClinVar:

ClinVar aggregate classification (germline): Uncertain significance (1 of 4 stars; one submission).

Allele frequency attached by ClinVar (database versions not stated): gnomAD exomes below 0.00001; ExAC 0.00001; TOPMed 0.00001.
gnomAD v4.1: 2 of 1,613,956 alleles (0.00012%); highest among the groups gnomAD compares: East Asian, 0.0022%; no homozygotes.

Submission:

Athena Diagnostics
Classification: Uncertain significance. Last evaluated: 2023-06-01. Review status: criteria provided, single submitter. Criteria: Athena Diagnostics Criteria. Collection method: clinical testing. Allele origin: unknown.
Comment: Available data are insufficient to determine the clinical significance of the variant at this time. The frequency of this variant in the general population is uninformative in assessment of its pathogenicity. Computational tools predict that this variant is not damaging.

NM_018075.5(ANO10):c.532G>A (p.Ala178Thr)

Gene: ANO10 (anoctamin 10; minus strand). Cytogenetic location: 3p22.1.
Variant type: single nucleotide variant.
Coding change: c.532G>A on transcript NM_018075.5 (MANE Select); coding-DNA position 532, G replaced by A.
Protein change: p.Ala178Thr; replaces alanine 178 with threonine.
Molecular consequence: missense variant.
Genome position (GRCh38, 1-based): chr3:43,580,413, C>T on the plus strand (G>A on the coding strand, the complement: ANO10 is on the minus strand). VCF-style: chr3-43580413-C-T. GRCh37 (hg19) VCF-style: chr3-43621905-C-T.
Other names: c.532G>A, p.Ala178Thr (NM_001204831.3, NM_001204834.3, NM_001346463.2 and 4 more transcripts); c.334G>A, p.Ala112Thr (NM_001204832.3, NM_001346466.2, NM_001346469.2); c.199G>A, p.Ala67Thr (NM_001204833.3); short protein forms A112T, A178T, A67T.
Identifiers: ClinVar variation 2684281 (VCV002684281.1), dbSNP rs759370845, ClinGen allele CA2341020.